The following is an entry in ClinVar:

ClinVar aggregate classification (germline): Pathogenic (1 of 4 stars; one submission).

Conditions:
RPE65-related recessive retinopathy. Also called: Recessive RPE65 retinopathy. Identifiers: MedGen CN305526, MONDO:0100368.

Submission:

Myriad Genetics, Inc.
Classification: Pathogenic for RPE65-related recessive retinopathy. Last evaluated: 2024-05-14. Review status: criteria provided, single submitter. Criteria: Myriad Autosomal Dominant, Autosomal Recessive and X-Linked Classification Criteria (2023). Collection method: clinical testing. Allele origin: unknown.
Comment: NM_000329.2(RPE65):c.1241_1242ins11(Q414Hfs*5) is expected to be pathogenic in the context of inherited retinal dystrophy, RPE65-related. This variant is predicted to lead to an abnormal or absent protein product due to the creation of a premature termination codon in RPE65, a gene where loss-of-function variants are known to be pathogenic. Please note: this variant was assessed in the context of healthy population screening.

NM_000329.3(RPE65):c.1241_1242insTAAGAGACAGT (p.Gln414fs)

Gene: RPE65 (retinoid isomerohydrolase RPE65; minus strand). Cytogenetic location: 1p31.3.
Variant type: Insertion.
Coding change: c.1241_1242insTAAGAGACAGT on transcript NM_000329.3 (MANE Select); coding-DNA positions 1241 to 1242, TAAGAGACAGT inserted.
Protein change: p.Gln414fs; shifts the reading frame from glutamine 414.
Molecular consequence: frameshift variant.
Genome position: GRCh38 VCF-style: chr1-68431472-T-TACTGTCTCTTA. GRCh37 (hg19) VCF-style: chr1-68897155-T-TACTGTCTCTTA.
Other names: c.1133_1134insTAAGAGACAGT, p.Gln378fs (NM_001406853.1); c.965_966insTAAGAGACAGT, p.Gln322fs (NM_001406856.1, NM_001406857.1); short protein forms Q322fs, Q378fs, Q414fs.
Identifiers: ClinVar variation 5016330 (VCV005016330.1).
Genomic context (GRCh38, chr1:68,431,472, plus strand): 5'-ATCTCTTTGAAAGAAACATTTGTTCACTCCCGTGTGAAGTTTTCTCTAGATCATCTCACC[T>TACTGTCTCTTA]TGACGAGGCCCTGAAAAGAGAACTTCAGGCTCCAGCCAGATAGTCTCGTCACTGCACAGA-3'